The following is an entry in ClinVar:

ClinVar aggregate classification (germline): Uncertain significance. Review status: criteria provided, multiple submitters, no conflicts (2 of 4 stars). 2 submissions from 2 submitters: Uncertain significance (2). Last evaluated 2025-08-24.

Conditions:
Inborn genetic diseases. Identifiers: MedGen C0950123, MeSH D030342.
Epidermolysis bullosa simplex 5B, with muscular dystrophy (EBS5B). Also called: EPIDERMOLYSIS BULLOSA SIMPLEX AND LIMB-GIRDLE MUSCULAR DYSTROPHY; Epidermolysis bullosa simplex with muscular dystrophy. Identifiers: Orphanet 257, MedGen C2931072, MONDO:0009181, OMIM 226670.
Epidermolysis bullosa simplex, Ogna type (EBS5A). Also called: EPIDERMOLYSIS BULLOSA SIMPLEX 5A, OGNA TYPE; Pidermolysis bullosa simplex 5A, Ogna type. Identifiers: Orphanet 79401, MedGen C0432317, MONDO:0007555, OMIM 131950.
Epidermolysis bullosa simplex with nail dystrophy (EBS5D). Identifiers: MedGen C4225309, MONDO:0014661, OMIM 616487.
Autosomal recessive limb-girdle muscular dystrophy type 2Q (LGMDR17). Also called: MUSCULAR DYSTROPHY, LIMB-GIRDLE, AUTOSOMAL RECESSIVE 17. Identifiers: Orphanet 254361, MedGen C3150989, MONDO:0013390, OMIM 613723.
Epidermolysis bullosa simplex 5C, with pyloric atresia (EBS5C). Also called: Epidermolysis bullosa simplex with pyloric atresia; PLEC-Related Epidermolysis Bullosa with Pyloric Atresia; PLEC1-Related Epidermolysis Bullosa with Pyloric Atresia. Identifiers: Orphanet 158684, MedGen C2677349, MONDO:0012807, OMIM 612138.

Allele frequency attached by ClinVar (database versions not stated): gnomAD exomes below 0.00001; gnomAD 0.00001.

Submissions (2):

Ambry Genetics
Classification: Uncertain significance for Inborn genetic diseases. Last evaluated: 2025-08-24. Review status: criteria provided, single submitter. Criteria: Ambry Variant Classification Scheme 2023. Collection method: clinical testing. Allele origin: germline.

Labcorp Genetics (formerly Invitae), Labcorp
Classification: Uncertain significance for Autosomal recessive limb-girdle muscular dystrophy type 2Q; Epidermolysis bullosa simplex, Ogna type; Epidermolysis bullosa simplex with nail dystrophy; Epidermolysis bullosa simplex 5C, with pyloric atresia; Epidermolysis bullosa simplex 5B, with muscular dystrophy. Last evaluated: 2024-10-22. Review status: criteria provided, single submitter. Criteria: Invitae Variant Classification Sherloc (09022015). Collection method: clinical testing. Allele origin: germline.
Comment: This sequence change replaces glutamine, which is neutral and polar, with histidine, which is basic and polar, at codon 2302 of the PLEC protein (p.Gln2302His). This variant is present in population databases (no rsID available, gnomAD 0.003%). This variant has not been reported in the literature in individuals affected with PLEC-related conditions. ClinVar contains an entry for this variant (Variation ID: 1417042). An algorithm developed to predict the effect of missense changes on protein structure and function outputs the following: PolyPhen-2: "Benign". The histidine amino acid residue is found in multiple mammalian species, which suggests that this missense change does not adversely affect protein function. In summary, the available evidence is currently insufficient to determine the role of this variant in disease. Therefore, it has been classified as a Variant of Uncertain Significance.

NM_201384.3(PLEC):c.6825G>T (p.Gln2275His)

Gene: PLEC (plectin; minus strand). Cytogenetic location: 8q24.3.
Variant type: single nucleotide variant.
Coding change: c.6825G>T on transcript NM_201384.3 (MANE Select); coding-DNA position 6825, G replaced by T.
Protein change: p.Gln2275His; replaces glutamine 2275 with histidine.
Molecular consequence: missense variant.
Genome position (GRCh38, 1-based): chr8:143,923,104, C>A on the plus strand (G>T on the coding strand, the complement: PLEC is on the minus strand). VCF-style: chr8-143923104-C-A. GRCh37 (hg19) VCF-style: chr8-144997272-C-A.
Other names: c.6906G>T (NM_000445.3); c.6906G>T, p.Gln2302His (NM_000445.5); c.6783G>T, p.Gln2261His (NM_201378.4); c.6759G>T, p.Gln2253His (NM_201379.3); c.7236G>T, p.Gln2412His (NM_201380.4); c.6729G>T, p.Gln2243His (NM_201381.3); c.6825G>T, p.Gln2275His (NM_201382.4); c.6837G>T, p.Gln2279His (NM_201383.3); short protein forms Q2243H, Q2261H, Q2275H, Q2302H, Q2279H, Q2412H, Q2253H.
Identifiers: ClinVar variation 1417042 (VCV001417042.7), dbSNP rs1441016262, ClinGen allele CA372532172.